The following is an entry in ClinVar:

ClinVar aggregate classification (germline): Pathogenic (1 of 4 stars; one submission).

Submission:

Labcorp Genetics (formerly Invitae), Labcorp
Classification: Pathogenic. Last evaluated: 2021-10-20. Review status: criteria provided, single submitter. Criteria: Invitae Variant Classification Sherloc (09022015). Collection method: clinical testing. Allele origin: germline.
Comment: This sequence change creates a premature translational stop signal (p.Tyr45*) in the CAD gene. It is expected to result in an absent or disrupted protein product. Loss-of-function variants in CAD are known to be pathogenic (PMID: 28007989, 32117025, 32820246, 33497533). This variant is not present in population databases (ExAC no frequency). This variant has not been reported in the literature in individuals affected with CAD-related conditions. For these reasons, this variant has been classified as Pathogenic.

Literature cited by the submitters: PubMed 28007989; PubMed 32117025; PubMed 32820246; PubMed 33497533.

NM_004341.5(CAD):c.135C>A (p.Tyr45Ter)

Gene: CAD (carbamoyl-phosphate synthetase 2, aspartate transcarbamylase, and dihydroorotase; plus strand). Cytogenetic location: 2p23.3.
Variant type: single nucleotide variant.
Coding change: c.135C>A on transcript NM_004341.5 (MANE Select); coding-DNA position 135, C replaced by A.
Protein change: p.Tyr45Ter; replaces tyrosine 45 with a stop codon.
Molecular consequence: nonsense.
Genome position (GRCh38, 1-based): chr2:27,217,929, C>A. VCF-style: chr2-27217929-C-A. GRCh37 (hg19) VCF-style: chr2-27440797-C-A.
Other names: c.135C>A, p.Tyr45Ter (NM_001306079.2); short protein forms Y45*.
Identifiers: ClinVar variation 1351531 (VCV001351531.6), dbSNP rs2148051187, ClinGen allele CA346196194.